The following is an entry in ClinVar:

NM_002332.3(LRP1):c.12206T>A (p.Ile4069Asn)

Gene: LRP1 (LDL receptor related protein 1; plus strand). Cytogenetic location: 12q13.3.
Variant type: single nucleotide variant.
Coding change: c.12206T>A on transcript NM_002332.3 (MANE Select); coding-DNA position 12206, T replaced by A.
Protein change: p.Ile4069Asn; replaces isoleucine 4069 with asparagine.
Molecular consequence: missense variant.
Genome position (GRCh38, 1-based): chr12:57,209,143, T>A. VCF-style: chr12-57209143-T-A. GRCh37 (hg19) VCF-style: chr12-57602926-T-A.
Other names: short protein forms I4069N.
Identifiers: ClinVar variation 4975103 (VCV004975103.1).
Genomic context (GRCh38, chr12:57,209,143, plus strand): 5'-GCCTGGCCGTGGATTATCACAATGAGCGGCTGTACTGGGCAGACGCCAAGCTTTCAGTCA[T>A]CGGCAGCATCCGGCTCAATGGCACGGACCCCATTGTGGCTGCTGACAGCAAACGAGGTCA-3'
Protein context (NP_002323.2, residues 4059-4079): LYWADAKLSV[Ile4069Asn]GSIRLNGTDP

ClinVar aggregate classification (germline): Uncertain significance (1 of 4 stars; one submission).

Submission:

GeneDx
Classification: Uncertain significance. Last evaluated: 2025-01-16. Review status: criteria provided, single submitter. Criteria: GeneDx Variant Classification Process June 2021. Collection method: clinical testing. Allele origin: germline.
Comment: In silico analysis supports that this missense variant has a deleterious effect on protein structure/function; Not observed at significant frequency in large population cohorts (gnomAD); Has not been previously published as pathogenic or benign to our knowledge; Variants in candidate genes are classified as variants of uncertain significance in accordance with ACMG guidelines (PMID: 25741868)